The following is an entry in ClinVar:

ClinVar aggregate classification (germline): Uncertain significance (1 of 4 stars; one submission).

Conditions:
Inborn genetic diseases. Identifiers: MedGen C0950123, MeSH D030342.

Submission:

Ambry Genetics
Classification: Uncertain significance for Inborn genetic diseases. Last evaluated: 2026-01-01. Review status: criteria provided, single submitter. Criteria: Ambry Variant Classification Scheme 2023. Collection method: clinical testing. Allele origin: germline.
Comment: The p.I352V variant (also known as c.1054A>G), located in coding exon 1 of the SAMD9L gene, results from an A to G substitution at nucleotide position 1054. The isoleucine at codon 352 is replaced by valine, an amino acid with highly similar properties. This amino acid position is conserved. In addition, this alteration is predicted to be tolerated by in silico analysis. Based on the available evidence, the clinical significance of this variant remains unclear.

NM_152703.5(SAMD9L):c.1054A>G (p.Ile352Val)

Gene: SAMD9L (sterile alpha motif domain containing 9 like; minus strand). Cytogenetic location: 7q21.2.
Variant type: single nucleotide variant.
Coding change: c.1054A>G on transcript NM_152703.5 (MANE Select); coding-DNA position 1054, A replaced by G.
Protein change: p.Ile352Val; replaces isoleucine 352 with valine.
Molecular consequence: missense variant.
Genome position (GRCh38, 1-based): chr7:93,134,918, T>C on the plus strand (A>G on the coding strand, the complement: SAMD9L is on the minus strand). VCF-style: chr7-93134918-T-C. GRCh37 (hg19) VCF-style: chr7-92764231-T-C.
Other names: c.1054A>G, p.Ile352Val (NM_001303496.3, NM_001303497.3, NM_001303498.3 and 5 more transcripts); short protein forms I352V.
Identifiers: ClinVar variation 4842028 (VCV004842028.1).
Genomic context (GRCh38, chr7:93,134,918, plus strand): 5'-ACTTTAAATTTTGTAAAAATGCCTTGAAATCTACATCCCGTTGCTTGGAATTGGCCAGGA[T>C]ATCCCTAGAGCTAGCCCCTTCTCTTACAAACAGTGAAAGATTTTGGTTTTGTTTCCATAT-3'
Protein context (NP_689916.2, residues 342-362): FVREGASSRD[Ile352Val]LANSKQRDVD